The following is an entry in ClinVar:

NM_001379228.1(MRAP):c.3G>A (p.Met1Ile)

Gene: MRAP (melanocortin 2 receptor accessory protein; plus strand). Cytogenetic location: 21q22.11.
Variant type: single nucleotide variant.
Coding change: c.3G>A on transcript NM_001379228.1 (MANE Select); coding-DNA position 3, G replaced by A.
Protein change: p.Met1Ile; changes the start codon (methionine 1).
Molecular consequence: missense variant, initiator codon variant. On other transcripts: intron variant (1).
Genome position (GRCh38, 1-based): chr21:32,298,974, G>A. VCF-style: chr21-32298974-G-A. GRCh37 (hg19) VCF-style: chr21-33671285-G-A.
Other names: c.3G>A, p.Met1Ile (NM_178817.4, NM_206898.2); c.-72+5842G>A (NM_001285394.2); short protein forms M1I.
Identifiers: ClinVar variation 1841 (VCV000001841.9), dbSNP rs80358231, ClinGen allele CA021246.

ClinVar aggregate classification (germline): Pathogenic. Review status: criteria provided, multiple submitters, no conflicts (2 of 4 stars). 3 submissions from 3 submitters: Pathogenic (2). 1 of the submissions does not count toward it. Last evaluated 2017-09-30.

Conditions:
Glucocorticoid deficiency 2 (GCCD2). Also called: FAMILIAL GLUCOCORTICOID DEFICIENCY 2. Identifiers: Orphanet 361, MedGen C4049714, MONDO:0011826, OMIM 607398.
Glucocorticoid deficiency 1 (GCCD1). Also called: Adrenal unresponsiveness to acth; FAMILIAL GLUCOCORTICOID DEFICIENCY 1; Glucocorticoid deficiency, due to ACTH unresponsiveness. Identifiers: Orphanet 361, MedGen C4049650, MONDO:0024536, OMIM 202200.

Allele frequency attached by ClinVar (database versions not stated): ExAC 0.00006; gnomAD exomes 0.00006 and 0.00008; TOPMed 0.00006; gnomAD 0.00009; ESP Exome Variant Server 0.00015.

Submissions (3):

Institute of Human Genetics Munich, TUM University Hospital
Classification: Pathogenic for Glucocorticoid deficiency 1. Last evaluated: 2017-09-30. Review status: criteria provided, single submitter. Criteria: Classification criteria August 2017. Collection method: clinical testing. Allele origin: germline. Inheritance: Autosomal recessive inheritance. Affected: yes. Observed: 1 compound heterozygote.

Laboratory for Molecular Medicine, Mass General Brigham Personalized Medicine
Classification: Pathogenic for Glucocorticoid deficiency 2. Last evaluated: 2014-08-28. Review status: criteria provided, single submitter. Criteria: LMM Criteria. Collection method: clinical testing. Allele origin: germline. Inheritance: Autosomal recessive inheritance. Observed: 2 variant alleles. Study: CSER-MedSeq.
Comment: The Met1? variant has been identified in 0.012% (1/8600) of European American chromosomes and 0.023% (1/4406) of African American chromosomes by the NHLBI Exome Sequencing Project (dbSNP rs80358231). The Met1? variant in MRAP has also been reported in at least 8 individuals with familial glucocorticoid deficiency (Metherell 2005). All these individuals were homozygous for the variant. This missense variant alters the evolutionary conserved initiating methionine and is predicted to lead to abnormal or absent protein. In summary, this variant meets our criteria to be classified as pathogenic for familial glucocorticoid deficiency with recessive inheritance.

OMIM
Classification: Pathogenic for GLUCOCORTICOID DEFICIENCY 2. Last evaluated: 2005-02-01. Review status: no assertion criteria provided. Collection method: literature only. Allele origin: germline. Not counted in ClinVar's aggregate classification.

Literature cited by the submitters: PubMed 15654338 (cited by Laboratory for Molecular Medicine, Mass General Brigham Personalized Medicine and OMIM).